The following is an entry in ClinVar:

ClinVar aggregate classification (germline): Uncertain significance (1 of 4 stars; one submission).

Submission:

GeneDx
Classification: Uncertain significance. Last evaluated: 2022-08-03. Review status: criteria provided, single submitter. Criteria: GeneDx Variant Classification Process June 2021. Collection method: clinical testing. Allele origin: germline. Affected: yes.
Comment: Not observed at significant frequency in large population cohorts (gnomAD); In silico analysis supports that this missense variant has a deleterious effect on protein structure/function; Has not been previously published as pathogenic or benign to our knowledge

NM_001375524.1(TRRAP):c.11258T>C (p.Leu3753Pro)

Gene: TRRAP (transformation/transcription domain associated protein; plus strand). Cytogenetic location: 7q22.1.
Variant type: single nucleotide variant.
Coding change: c.11258T>C on transcript NM_001375524.1 (MANE Select); coding-DNA position 11258, T replaced by C.
Protein change: p.Leu3753Pro; replaces leucine 3753 with proline.
Molecular consequence: missense variant.
Genome position (GRCh38, 1-based): chr7:99,011,456, T>C. VCF-style: chr7-99011456-T-C. GRCh37 (hg19) VCF-style: chr7-98609079-T-C.
Other names: c.11216T>C, p.Leu3739Pro (NM_001244580.2); c.11129T>C, p.Leu3710Pro (NM_003496.4); short protein forms L3710P, L3739P, L3753P.
Identifiers: ClinVar variation 2428962 (VCV002428962.2), dbSNP rs2485082078, ClinGen allele CA368343508.